The following is an entry in ClinVar:

NM_001007527.2(LMBRD2):c.1774G>A (p.Gly592Ser)

Gene: LMBRD2 (LMBR1 domain containing 2; minus strand). Cytogenetic location: 5p13.2.
Variant type: single nucleotide variant.
Coding change: c.1774G>A on transcript NM_001007527.2 (MANE Select); coding-DNA position 1774, G replaced by A.
Protein change: p.Gly592Ser; replaces glycine 592 with serine.
Molecular consequence: missense variant.
Genome position (GRCh38, 1-based): chr5:36,109,962, C>T on the plus strand (G>A on the coding strand, the complement: LMBRD2 is on the minus strand). VCF-style: chr5-36109962-C-T. GRCh37 (hg19) VCF-style: chr5-36110064-C-T.
Other names: short protein forms G592S.
Identifiers: ClinVar variation 4881011 (VCV004881011.2).
Genomic context (GRCh38, chr5:36,109,962, plus strand): 5'-TTCAAATTAATCTTCAGATTACAGAAATTAATACTGTACTTACTCTTCTTCGATTTTCAC[C>T]TTCTTCTTGCCTTTGCCTTTTTCTCTTCTCTAAAGACAGAAAAATGATCTCAAATATGGC-3'
Protein context (NP_001007528.1, residues 582-602): EKRKRQRQEE[Gly592Ser]ENRRREWKER

ClinVar aggregate classification (germline): Uncertain significance (1 of 4 stars; one submission).

Submission:

Dasa
Classification: Uncertain significance. Last evaluated: 2026-03-27. Review status: criteria provided, single submitter. Criteria: DASA Assertion Criteria. Collection method: clinical testing. Allele origin: germline.
Comment: NM_001007527.2(LMBRD2):c.1774G>A (p.Gly592Ser) is a missense variant that results in the substitution of glycine with serine. This variant is rare in population databases. The currently available literature and clinical evidence are not sufficient to establish a definitive association between this variant and the reported condition. Therefore, this variant is classified as a variant of uncertain significance.